The following is an entry in ClinVar:

NM_001394062.1(MACF1):c.21416G>A (p.Trp7139Ter)

Gene: MACF1 (microtubule actin crosslinking factor 1; plus strand). Cytogenetic location: 1p34.3.
Variant type: single nucleotide variant.
Coding change: c.21416G>A on transcript NM_001394062.1 (MANE Select); coding-DNA position 21416, G replaced by A.
Protein change: p.Trp7139Ter; replaces tryptophan 7139 with a stop codon.
Molecular consequence: nonsense.
Genome position (GRCh38, 1-based): chr1:39,460,687, G>A. VCF-style: chr1-39460687-G-A. GRCh37 (hg19) VCF-style: chr1-39926359-G-A.
Other names: c.9494G>A, p.Trp3165Ter (NM_001397473.1); c.15239G>A, p.Trp5080Ter (NM_012090.5); short protein forms W3165*, W5080*, W7139*.
Identifiers: ClinVar variation 3368137 (VCV003368137.1).

ClinVar aggregate classification (germline): Uncertain significance (1 of 4 stars; one submission).

Submission:

GeneDx
Classification: Uncertain significance. Last evaluated: 2024-01-19. Review status: criteria provided, single submitter. Criteria: GeneDx Variant Classification Process June 2021. Collection method: clinical testing. Allele origin: germline. Affected: yes.
Comment: Not observed at significant frequency in large population cohorts (gnomAD); Nonsense variant predicted to result in protein truncation or nonsense mediated decay in a gene or region of a gene for which loss of function is not a well-established mechanism of disease; Has not been previously published as pathogenic or benign to our knowledge